The following is an entry in ClinVar:

ClinVar aggregate classification (germline): Conflicting classifications of pathogenicity. Review status: criteria provided, conflicting classifications (1 of 4 stars). 11 submissions from 11 submitters: Uncertain significance (10); Likely benign (1). Last evaluated 2026-01-28.

Conditions:
CDH1-related disorder. Also called: CDH1-related condition.
Hereditary cancer-predisposing syndrome. Also called: Tumor predisposition; Neoplastic Syndromes, Hereditary; Hereditary neoplastic syndrome; Hereditary Cancer Syndrome. Identifiers: Orphanet 140162, MedGen C0027672, MeSH D009386, MONDO:0015356.
Hereditary diffuse gastric adenocarcinoma (HDGC). Also called: DIFFUSE GASTRIC AND LOBULAR BREAST CANCER SYNDROME. Identifiers: Orphanet 26106, MedGen C1708349, MONDO:0007648, OMIM 137215.
Familial cancer of breast. Also called: BREAST CANCER, FAMILIAL; Hereditary breast cancer; hereditary breast carcinoma. Identifiers: Orphanet 227535, MedGen C0346153, MONDO:0016419, OMIM 114480. Disease mechanism: loss of function.

Allele frequency attached by ClinVar (database versions not stated): gnomAD 0.00001; gnomAD exomes 0.00001; ExAC 0.00002; TOPMed 0.00003; ESP Exome Variant Server 0.00008.
gnomAD v4.1: 91 of 1,614,130 alleles (0.0056%); highest among the groups gnomAD compares: Non-Finnish European, 0.0074%; no homozygotes.

Submissions (11):

PreventionGenetics, part of Exact Sciences
Classification: Uncertain significance for CDH1-related condition. Last evaluated: 2026-01-28. Review status: criteria provided, single submitter. Criteria: ACMG Guidelines, 2015. Collection method: clinical testing. Allele origin: germline.
Comment: The CDH1 c.1351A>C variant is predicted to result in the amino acid substitution p.Ile451Leu. This variant has been reported in an individual with hereditary colorectal cancer (eTable 4, Pearlman et al. 2021. PubMed ID: 34250417) and in individuals with breast cancer and controls (Tung et al. 2014. PubMed ID: 25186627; Breast Cancer Association Consortium et al. 2021. PubMed:33471991). An alternate variant at the same amino acid position (p.Ile451Val) has been reported in an individual with breast cancer who had a family history of breast cancer, colorectal cancer and melanoma (Supplemental Table, Bhai et al. 2021. PubMed ID: 34326862). The c.1351A>C variant is reported in 0.0031% of alleles in individuals of European (non-Finnish) descent in gnomAD and has conflicting interpretations regarding its pathogenicity in ClinVar, ranging from likely benign to uncertain (Variation ID: 142788). At this time, the clinical significance of this variant is uncertain due to the absence of conclusive functional and genetic evidence.

Labcorp Genetics (formerly Invitae), Labcorp
Classification: Uncertain significance for Hereditary diffuse gastric adenocarcinoma. Last evaluated: 2026-01-14. Review status: criteria provided, single submitter. Criteria: Invitae Variant Classification Sherloc (09022015). Collection method: clinical testing. Allele origin: germline.
Comment: This sequence change replaces isoleucine, which is neutral and non-polar, with leucine, which is neutral and non-polar, at codon 451 of the CDH1 protein (p.Ile451Leu). This variant is present in population databases (rs377416092, gnomAD 0.003%). This missense change has been observed in individual(s) with breast cancer and/or colorectal cancer (PMID: 25186627, 34250417). ClinVar contains an entry for this variant (Variation ID: 142788). An algorithm developed to predict the effect of missense changes on protein structure and function (PolyPhen-2) suggests that this variant is likely to be tolerated. In summary, the available evidence is currently insufficient to determine the role of this variant in disease. Therefore, it has been classified as a Variant of Uncertain Significance.

Women's Health and Genetics/Laboratory Corporation of America, LabCorp
Classification: Uncertain significance. Last evaluated: 2025-11-04. Review status: criteria provided, single submitter. Criteria: LabCorp Variant Classification Summary - May 2015. Collection method: clinical testing. Allele origin: germline.
Comment: Variant summary: CDH1 c.1351A>C (p.Ile451Leu) results in a conservative amino acid change located in the Cadherin-like domain (IPR002126) of the encoded protein sequence. Algorithms developed to predict the effect of missense changes on protein structure and function all suggest that this variant is likely to be tolerated. The variant allele was found at a frequency of 1.2e-05 in 251472 control chromosomes. The available data on variant occurrences in the general population are insufficient to allow any conclusion about variant significance. c.1351A>C has been reported in the literature in individuals affected with breast and/or colorectal cancer (example: Tung_2015, Dorling_2021, Pearlman_2021). These report(s) do not provide unequivocal conclusions about association of the variant with Hereditary Diffuse Gastric Cancer. To our knowledge, no experimental evidence demonstrating an impact on protein function has been reported. The following publications have been ascertained in the context of this evaluation (PMID: 25186627, 33471991, 34250417). ClinVar contains an entry for this variant (Variation ID: 142788). Based on the evidence outlined above, the variant was classified as uncertain significance.

Institute for Biomarker Research, Medical Diagnostic Laboratories, L.L.C.
Classification: Uncertain significance for Hereditary cancer-predisposing syndrome. Last evaluated: 2025-08-27. Review status: criteria provided, single submitter. Criteria: ACMG Guidelines, 2015. Collection method: clinical testing. Allele origin: germline.
Comment: The missense variant NM_004360.5(CDH1):c.1351A>C (p.Ile451Leu) has not been reported previously as a pathogenic variant, to our knowledge. There is a small physicochemical difference between isoleucine and leucine, which is not likely to impact secondary protein structure as these residues share similar properties. The gene CDH1 has a low rate of benign missense variation as indicated by a high missense variants Z-Score of 1.89. The p.Ile451Leu variant is not predicted to introduce a novel splice site by any splice site algorithm. The nucleotide c.1351 in CDH1 is not conserved according to a GERP++ and PhyloP analysis of 100 vertebrates. For these reasons, this variant has been classified as Uncertain Significance.

GeneDx
Classification: Uncertain significance. Last evaluated: 2025-01-24. Review status: criteria provided, single submitter. Criteria: GeneDx Variant Classification Process June 2021. Collection method: clinical testing. Allele origin: germline. Affected: yes.
Comment: Not observed at significant frequency in large population cohorts (gnomAD); In silico analysis indicates that this missense variant does not alter protein structure/function; This variant is associated with the following publications: (PMID: 25186627, 15235021, 22850631, 34250417)

Baylor Genetics
Classification: Uncertain significance for Familial cancer of breast. Last evaluated: 2024-03-17. Review status: criteria provided, single submitter. Criteria: ACMG Guidelines, 2015. Collection method: clinical testing. Allele origin: unknown.

Color Diagnostics, LLC DBA Color Health
Classification: Uncertain significance for Hereditary cancer-predisposing syndrome. Last evaluated: 2024-01-03. Review status: criteria provided, single submitter. Criteria: ACMG Guidelines, 2015. Collection method: clinical testing. Allele origin: germline.
Comment: This missense variant replaces isoleucine with leucine at codon 451 of the CDH1 protein. To our knowledge, functional studies have not been reported for this variant. This variant has been reported in individuals affected with breast cancer, but was also reported in healthy control individuals in a breast cancer case-control study (PMID: 25186627, 33471991). This variant has been identified in 4/282886 chromosomes in the general population by the Genome Aggregation Database (gnomAD). The available evidence is insufficient to determine the role of this variant in disease conclusively. Therefore, this variant is classified as a Variant of Uncertain Significance.

Quest Diagnostics Nichols Institute San Juan Capistrano
Classification: Uncertain significance. Last evaluated: 2023-11-10. Review status: criteria provided, single submitter. Criteria: Quest Diagnostics criteria. Collection method: clinical testing. Allele origin: unknown.
Comment: The CDH1 c.1351A>C (p.Ile451Leu) variant has been reported in the published literature in individuals with colorectal cancer (PMID: 34250417 (2021)) and early-onset breast cancer (PMID: 25186627 (2015)). In a large breast cancer association study, the variant was reported both in healthy individuals and individuals with breast cancer (PMID: 33471991 (2021), see also LOVD). The frequency of this variant in the general population, 0.000031 (4/129184 chromosomes (Genome Aggregation Database)), is uninformative in the assessment of its pathogenicity. Analysis of this variant using bioinformatics tools for the prediction of the effect of amino acid changes on protein structure and function yielded predictions that this variant is benign. Based on the available information, we are unable to determine the clinical significance of this variant.

St. Jude Molecular Pathology, St. Jude Children's Research Hospital
Classification: Uncertain significance for Hereditary diffuse gastric adenocarcinoma. Last evaluated: 2022-01-27. Review status: criteria provided, single submitter. Criteria: St. Jude Assertion Criteria 2020. Collection method: clinical testing. Allele origin: germline.
Comment: The CDH1 c.1351A>C (p.Ile451Leu) missense change has a maximum subpopulation frequency of 0.022% in gnomAD v2.1.1. To our knowledge, this variant has not been reported in individuals with hereditary diffuse gastric cancer. In summary, this variant meets criteria to be classified as of uncertain significance based on the ACMG/AMP criteria, as specified by the CDH1 Variant Curation Expert Panel (PMID: 30311375): no criteria met.

Ambry Genetics
Classification: Likely benign for Hereditary cancer-predisposing syndrome. Last evaluated: 2021-11-18. Review status: criteria provided, single submitter. Criteria: Ambry Variant Classification Scheme 2023. Collection method: clinical testing. Allele origin: germline.

Genetic Services Laboratory, University of Chicago
Classification: Uncertain significance. Last evaluated: 2021-10-11. Review status: criteria provided, single submitter. Criteria: ACMG Guidelines, 2015. Collection method: clinical testing. Allele origin: germline. Affected: no.

Literature cited by the submitters: PubMed 25186627 (cited by 4 submitters); PubMed 34250417 (cited by 3 submitters); PubMed 33471991 (cited by 3 submitters).

NM_004360.5(CDH1):c.1351A>C (p.Ile451Leu)

Gene: CDH1 (cadherin 1; plus strand). Cytogenetic location: 16q22.1.
Variant type: single nucleotide variant.
Coding change: c.1351A>C on transcript NM_004360.5 (MANE Select); coding-DNA position 1351, A replaced by C.
Protein change: p.Ile451Leu; replaces isoleucine 451 with leucine.
Molecular consequence: missense variant. On other transcripts: 5 prime UTR variant (2).
Genome position (GRCh38, 1-based): chr16:68,815,545, A>C. VCF-style: chr16-68815545-A-C. GRCh37 (hg19) VCF-style: chr16-68849448-A-C.
Other names: p.I451L:ATT>CTT; c.1351A>C (LRG_301t1); c.1168A>C, p.Ile390Leu (NM_001317184.2); c.-198A>C (NM_001317185.2); c.-469A>C (NM_001317186.2); short protein forms I451L, I390L.
Identifiers: ClinVar variation 142788 (VCV000142788.34), dbSNP rs377416092, ClinGen allele CA294502.